The following is an entry in ClinVar:

NM_001035.3(RYR2):c.7705A>G (p.Ile2569Val)

Gene: RYR2 (ryanodine receptor 2; plus strand). Cytogenetic location: 1q43.
Variant type: single nucleotide variant.
Coding change: c.7705A>G on transcript NM_001035.3 (MANE Select); coding-DNA position 7705, A replaced by G.
Protein change: p.Ile2569Val; replaces isoleucine 2569 with valine.
Molecular consequence: missense variant.
Genome position (GRCh38, 1-based): chr1:237,650,069, A>G. VCF-style: chr1-237650069-A-G. GRCh37 (hg19) VCF-style: chr1-237813369-A-G.
Other names: short protein forms I2569V.
Identifiers: ClinVar variation 3893688 (VCV003893688.1).

ClinVar aggregate classification (germline): Uncertain significance (1 of 4 stars; one submission).

Conditions:
Cardiomyopathy (CMYO). Also called: Cardiomyopathies. Identifiers: Orphanet 167848, MedGen C0878544, MONDO:0004994, HP:0001638. Inheritance: Various modes of inheritance.

Submission:

Color Diagnostics, LLC DBA Color Health
Classification: Uncertain significance for Cardiomyopathy. Last evaluated: 2024-04-30. Review status: criteria provided, single submitter. Criteria: ACMG Guidelines, 2015. Collection method: clinical testing. Allele origin: germline.
Comment: This missense variant replaces isoleucine with valine at codon 2569 of the RYR2 protein. Computational prediction suggests that this variant may not impact protein structure and function (internally defined REVEL score threshold <= 0.5, PMID: 27666373). To our knowledge, functional studies have not been reported for this variant. This variant has not been reported in individuals affected with RYR2-related disorders in the literature. This variant has not been identified in the general population by the Genome Aggregation Database (gnomAD). The available evidence is insufficient to determine the role of this variant in disease conclusively. Therefore, this variant is classified as a Variant of Uncertain Significance.